The following is an entry in ClinVar:

ClinVar aggregate classification (germline): Uncertain significance (1 of 4 stars; one submission).

Submission:

CeGaT Center for Human Genetics Tuebingen
Classification: Uncertain significance. Last evaluated: 2022-07-01. Review status: criteria provided, single submitter. Criteria: CeGaT Center For Human Genetics Tuebingen Variant Classification Criteria Version 2. Collection method: clinical testing. Allele origin: germline. Affected: yes. Observed: 1 variant allele.
Comment: MARS1: PM2, BP4

NM_004990.4(MARS1):c.1092-6C>G

Gene: MARS1 (methionyl-tRNA synthetase 1; plus strand). Cytogenetic location: 12q13.3.
Variant type: single nucleotide variant.
Coding change: c.1092-6C>G on transcript NM_004990.4 (MANE Select); 6 bases into the intron before coding-DNA position 1092, C replaced by G.
Molecular consequence: intron variant.
Genome position (GRCh38, 1-based): chr12:57,500,315, C>G. VCF-style: chr12-57500315-C-G. GRCh37 (hg19) VCF-style: chr12-57894098-C-G.
Identifiers: ClinVar variation 2643136 (VCV002643136.24), dbSNP rs747944261, ClinGen allele CA2695199095.